The following is an entry in ClinVar:

NM_000504.4(F10):c.460G>A (p.Gly154Arg)

Gene: F10 (coagulation factor X; plus strand). Cytogenetic location: 13q34.
Variant type: single nucleotide variant.
Coding change: c.460G>A on transcript NM_000504.4 (MANE Select); coding-DNA position 460, G replaced by A.
Protein change: p.Gly154Arg; replaces glycine 154 with arginine.
Molecular consequence: missense variant. On other transcripts: intron variant (1).
Genome position (GRCh38, 1-based): chr13:113,141,008, G>A. VCF-style: chr13-113141008-G-A. GRCh37 (hg19) VCF-style: chr13-113795322-G-A.
Other names: c.460G>A, p.Gly154Arg (NM_001312675.2); c.370+1538G>A (NM_001312674.2); short protein forms G154R.
Identifiers: ClinVar variation 883156 (VCV000883156.11), dbSNP rs149285827, ClinGen allele CA7060483.
Genomic context (GRCh38, chr13:113,141,008, plus strand): 5'-GGGGACTGTGACCAGTTCTGCCACGAGGAACAGAACTCTGTGGTGTGCTCCTGCGCCCGC[G>A]GGTACACCCTGGCTGACAACGGCAAGGCCTGCATTCCCACAGGTAGGAGGCACGTTGGGC-3'
Protein context (NP_000495.1, residues 144-164): QNSVVCSCAR[Gly154Arg]YTLADNGKAC

ClinVar aggregate classification (germline): Uncertain significance. Review status: criteria provided, multiple submitters, no conflicts (2 of 4 stars). 3 submissions from 3 submitters: Uncertain significance (3). Last evaluated 2026-01-27.

Conditions:
Hereditary factor X deficiency disease. Also called: STUART-PROWER FACTOR DEFICIENCY; Congenital factor X deficiency. Identifiers: Orphanet 328, MedGen C0272327, MONDO:0009212, OMIM 227600.

Allele frequency attached by ClinVar (database versions not stated): ExAC 0.00012; ESP Exome Variant Server 0.00015; gnomAD exomes 0.00015 and 0.00022; gnomAD 0.00016; TOPMed 0.00020.
gnomAD v4.1: 342 of 1,613,932 alleles (0.021%); highest among the groups gnomAD compares: Admixed American, 0.048%; no homozygotes.

Submissions (3):

GeneDx
Classification: Uncertain significance. Last evaluated: 2026-01-27. Review status: criteria provided, single submitter. Criteria: GeneDx Variant Classification Process June 2021. Collection method: clinical testing. Allele origin: germline.
Comment: Reported in apparent homozygous state in a patient with 30% FX activity and a history of epistaxis, hematomas, gum bleeding, menorrhagia, hyperlaxity, and joint pain who also had variants in other genes that may be contributing to the phenotype (PMID: 41178378); Published functional studies suggest G154R results in decreased secreted factor X (PMID: 30152566); In silico analysis supports that this missense variant has a deleterious effect on protein structure/function; In silico analysis suggests this variant may impact gene splicing. In the absence of RNA/functional studies, the actual effect of this sequence change is unknown.; This variant is associated with the following publications: (PMID: 11345209, 30152566, 30539705, 37842794, 38387429, 41178378)

Blueprint Genetics
Classification: Uncertain significance. Last evaluated: 2023-08-22. Review status: criteria provided, single submitter. Criteria: ACMG Guidelines, 2015. Collection method: clinical testing. Allele origin: germline.

Illumina Laboratory Services, Illumina
Classification: Uncertain significance for Hereditary factor X deficiency disease. Last evaluated: 2017-04-28. Review status: criteria provided, single submitter. Criteria: ICSL Variant Classification Criteria 13 December 2019. Collection method: clinical testing. Allele origin: germline.